The following is an entry in ClinVar:

ClinVar aggregate classification (germline): Uncertain significance (1 of 4 stars; one submission).

Allele frequency attached by ClinVar (database versions not stated): gnomAD exomes below 0.00001.
gnomAD v4.1: 2 of 1,614,120 alleles (0.00012%); highest among the groups gnomAD compares: South Asian, 0.0022%; no homozygotes.

Submission:

Labcorp Genetics (formerly Invitae), Labcorp
Classification: Uncertain significance. Last evaluated: 2021-04-23. Review status: criteria provided, single submitter. Criteria: Invitae Variant Classification Sherloc (09022015). Collection method: clinical testing. Allele origin: germline.
Comment: In summary, the available evidence is currently insufficient to determine the role of this variant in disease. Therefore, it has been classified as a Variant of Uncertain Significance. Algorithms developed to predict the effect of missense changes on protein structure and function output the following: SIFT: "Tolerated"; PolyPhen-2: "Benign"; Align-GVGD: "Class C0". The serine amino acid residue is found in multiple mammalian species, suggesting that this missense change does not adversely affect protein function. These predictions have not been confirmed by published functional studies and their clinical significance is uncertain. This variant has not been reported in the literature in individuals with ERBIN-related conditions. This variant is not present in population databases (ExAC no frequency). This sequence change replaces proline with serine at codon 1311 of the ERBIN protein (p.Pro1311Ser). The proline residue is moderately conserved and there is a moderate physicochemical difference between proline and serine.

NM_001253697.2(ERBIN):c.3931C>T (p.Pro1311Ser)

Gene: ERBIN (erbb2 interacting protein; plus strand). Cytogenetic location: 5q12.3.
Variant type: single nucleotide variant.
Coding change: c.3931C>T on transcript NM_001253697.2 (MANE Select); coding-DNA position 3931, C replaced by T.
Protein change: p.Pro1311Ser; replaces proline 1311 with serine.
Molecular consequence: missense variant. On other transcripts: intron variant (1).
Genome position (GRCh38, 1-based): chr5:66,075,198, C>T. VCF-style: chr5-66075198-C-T. GRCh37 (hg19) VCF-style: chr5-65371026-C-T.
Other names: c.3808C>T, p.Pro1270Ser (NM_001253698.2, NM_018695.4); c.3952C>T, p.Pro1318Ser (NM_001253699.2); c.3796C>T, p.Pro1266Ser (NM_001253701.2); c.3634-1118C>T (NM_001006600.3); short protein forms P1266S, P1318S, P1270S, P1311S.
Identifiers: ClinVar variation 1389733 (VCV001389733.8), dbSNP rs1435654171, ClinGen allele CA359871278.